The following is an entry in ClinVar:

ClinVar aggregate classification (germline): Uncertain significance (1 of 4 stars; one submission).

Conditions:
Congenital muscular dystrophy due to integrin alpha-7 deficiency. Also called: Congenital muscular dystrophy with integrin alpha-7 deficiency; Muscular dystrophy, congenital, due to ITGA7 deficiency; MYOPATHY, CONGENITAL, DUE TO INTEGRIN ALPHA-7 DEFICIENCY. Identifiers: Orphanet 34520, MedGen C2750786, MONDO:0013177, OMIM 613204.

Submission:

Labcorp Genetics (formerly Invitae), Labcorp
Classification: Uncertain significance for Congenital muscular dystrophy due to integrin alpha-7 deficiency. Last evaluated: 2024-12-04. Review status: criteria provided, single submitter. Criteria: Invitae Variant Classification Sherloc (09022015). Collection method: clinical testing. Allele origin: germline.
Comment: This sequence change replaces lysine, which is basic and polar, with arginine, which is basic and polar, at codon 1005 of the ITGA7 protein (p.Lys1005Arg). This variant is not present in population databases (gnomAD no frequency). This variant has not been reported in the literature in individuals affected with ITGA7-related conditions. An algorithm developed to predict the effect of missense changes on protein structure and function (PolyPhen-2) suggests that this variant is likely to be tolerated. In summary, the available evidence is currently insufficient to determine the role of this variant in disease. Therefore, it has been classified as a Variant of Uncertain Significance.

NM_002206.3(ITGA7):c.3014A>G (p.Lys1005Arg)

Gene: ITGA7 (integrin subunit alpha 7; minus strand). Cytogenetic location: 12q13.2.
Variant type: single nucleotide variant.
Coding change: c.3014A>G on transcript NM_002206.3 (MANE Select); coding-DNA position 3014, A replaced by G.
Protein change: p.Lys1005Arg; replaces lysine 1005 with arginine.
Molecular consequence: missense variant.
Genome position (GRCh38, 1-based): chr12:55,688,245, T>C on the plus strand (A>G on the coding strand, the complement: ITGA7 is on the minus strand). VCF-style: chr12-55688245-T-C. GRCh37 (hg19) VCF-style: chr12-56082029-T-C.
Other names: c.3026A>G, p.Lys1009Arg (NM_001144996.2); c.2735A>G, p.Lys912Arg (NM_001144997.2); c.2687A>G, p.Lys896Arg (NM_001367993.1); c.1670A>G, p.Lys557Arg (NM_001367994.1); c.2996A>G, p.Lys999Arg (NM_001374465.1); c.3146A>G, p.Lys1049Arg (NM_001410977.1); c.3008A>G, p.Lys1003Arg (NM_001414029.1); c.2939A>G, p.Lys980Arg (NM_001414030.1); and 5 more; short protein forms K1009R, K892R, K896R, K976R, K1005R, K944R, K999R, K1049R.
Identifiers: ClinVar variation 3631899 (VCV003631899.2).